The following is an entry in ClinVar:

ClinVar aggregate classification (germline): Likely pathogenic. Review status: reviewed by expert panel (3 of 4 stars). 8 submissions from 8 submitters: Likely pathogenic (1). 7 of the submissions do not count toward it. Last evaluated 2019-11-10.

Conditions:
PAH-related disorder. Also called: PAH-related condition.
Hyperphenylalaninemia. Also called: Hyperphenylalaninemia, non-pku; Hyperphenylalaninemia (HPA); Hyperphenylalaninaemia. Identifiers: MedGen C0751435, HP:0004923.
Phenylketonuria (PKU). Also called: Phenylketonuria (PKU); FOLLING DISEASE; OLIGOPHRENIA PHENYLPYRUVICA; Phenylketonurias. Identifiers: Orphanet 716, MedGen C0031485, MONDO:0009861, OMIM 261600. Disease mechanism: loss of function.

Allele frequency attached by ClinVar (database versions not stated): gnomAD exomes below 0.00001 and 0.00001.
gnomAD v4.1: 10 of 1,614,042 alleles (0.00062%); highest among the groups gnomAD compares: Non-Finnish European, 0.00085%; no homozygotes.

Submissions (8):

ClinGen PAH Variant Curation Expert Panel
Classification: Likely pathogenic for Phenylketonuria. Last evaluated: 2019-11-10. Review status: reviewed by expert panel. Criteria: ClinGen PAH ACMG Specifications v1. Collection method: curation. Allele origin: germline. Inheritance: Autosomal recessive inheritance.
Comment: The c.601C>T (p.His201Tyr) variant in PAH has been reported in multiple individuals with PAH deficiency (BH4 deficiency excluded). (PP4_Moderate; PMID: 16198137). This variant is at a ow frequency in controls (3.964e-6 in gnomAD; PM2). This variant was detected with known pathogenic variants IVS10nt546 (PMID: 9521426) and R158Q (PMID: 16198137; PM3_strong). Computational evidence is conflicting. In summary, this variant meets criteria to be classified as likely pathogenic for PAH. PAH-specific ACMG/AMP criteria applied: PP4_Moderate, PM2, PM3_strong.

Labcorp Genetics (formerly Invitae), Labcorp
Classification: Pathogenic for Phenylketonuria. Last evaluated: 2025-12-14. Review status: criteria provided, single submitter. Criteria: Invitae Variant Classification Sherloc (09022015). Collection method: clinical testing. Allele origin: germline. Not counted in ClinVar's aggregate classification.
Comment: This sequence change replaces histidine, which is basic and polar, with tyrosine, which is neutral and polar, at codon 201 of the PAH protein (p.His201Tyr). This variant is present in population databases (rs62517205, gnomAD 0.0009%). This missense change has been observed in individual(s) with hyperphenylalaninemia (PMID: 9521426, 10598814, 16198137, 23792259). In at least one individual the data is consistent with being in trans (on the opposite chromosome) from a pathogenic variant. ClinVar contains an entry for this variant (Variation ID: 102752). Invitae Evidence Modeling of protein sequence and biophysical properties (such as structural, functional, and spatial information, amino acid conservation, physicochemical variation, residue mobility, and thermodynamic stability) indicates that this missense variant is not expected to disrupt PAH protein function with a negative predictive value of 80%. For these reasons, this variant has been classified as Pathogenic.

Natera, Inc.
Classification: Likely pathogenic for Phenylketonuria. Last evaluated: 2025-05-06. Review status: criteria provided, single submitter. Criteria: Natera Variant Classification Schema (03/2026). Collection method: clinical testing. Allele origin: germline. Not counted in ClinVar's aggregate classification.
Comment: The c.601C>T variant in PAH is a missense variant predicted to cause substitution of histidine to tyrosine at amino acid 201. This variant is rare in the general population with a frequency below the threshold expected for the associated phenotype(s). This variant has been observed in one or more individuals affected with the associated recessive disease, as either homozygous or compound heterozygous with a second variant (PMID: 3903932, 10598814, 9521426, 23792259, 16198137). Computational prediction algorithms indicate this variant is likely to affect gene or protein function. Given the available evidence, this variant is classified as Likely Pathogenic.

GeneDx
Classification: Pathogenic. Last evaluated: 2025-02-28. Review status: criteria provided, single submitter. Criteria: GeneDx Variant Classification Process June 2021. Collection method: clinical testing. Allele origin: germline. Affected: yes. Not counted in ClinVar's aggregate classification.
Comment: Not observed at significant frequency in large population cohorts (gnomAD); In silico analysis supports that this missense variant has a deleterious effect on protein structure/function; This variant is associated with the following publications: (PMID: 23357515, 23792259, 10598814, 35023679, 32668217, 9521426, 16198137)

Blueprint Genetics
Classification: Pathogenic for PAH-related disorders. Last evaluated: 2022-07-22. Review status: criteria provided, single submitter. Criteria: ACMG Guidelines, 2015. Collection method: clinical testing. Allele origin: germline. Affected: yes. Observed: 2 variant alleles. Not counted in ClinVar's aggregate classification.

Women's Health and Genetics/Laboratory Corporation of America, LabCorp
Classification: Pathogenic for Hyperphenylalaninemia. Last evaluated: 2017-04-13. Review status: criteria provided, single submitter. Criteria: LabCorp Variant Classification Summary - May 2015. Collection method: clinical testing. Allele origin: germline. Not counted in ClinVar's aggregate classification.
Comment: Variant summary: The PAH c.601C>T (p.His201Tyr) variant located in the Aromatic amino acid hydroxylase, C-terminal (via InterPro) involves the alteration of a conserved nucleotide and 3/5 in silico tools predict a damaging outcome. Reblova_2013 indicates that the His201 plays a key role in forming a H-bond needed for stablization. This variant is absent in 121300 control chromosomes (ExAC). Multiple publications have cited the variant in affected compound heterozygote individuals, predominantly from Italy, with a mild HPA. Taken together, the variant of interest has been classified as "pathogenic."

Counsyl
Classification: Likely pathogenic for Phenylketonuria. Last evaluated: 2017-03-15. Review status: no assertion criteria provided. Collection method: clinical testing. Allele origin: unknown. Not counted in ClinVar's aggregate classification.

DeBelle Laboratory for Biochemical Genetics, MUHC/MCH RESEARCH INSTITUTE
No classification provided. Review status: no classification provided. Collection method: not provided. Allele origin: not provided. Not counted in ClinVar's aggregate classification.

Literature cited by the submitters: PubMed 16198137 (cited by 5 submitters); PubMed 9521426 (cited by 4 submitters); PubMed 10598814 (cited by 3 submitters); PubMed 23792259 (cited by 4 submitters); PubMed 3903932 (cited by Natera, Inc.); PubMed 23357515 (cited by Women's Health and Genetics/Laboratory Corporation of America, LabCorp and Counsyl); PubMed 10527663 (cited by Counsyl).

NM_000277.3(PAH):c.601C>T (p.His201Tyr)

Gene: PAH (phenylalanine hydroxylase; minus strand). Cytogenetic location: 12q23.2.
Variant type: single nucleotide variant.
Coding change: c.601C>T on transcript NM_000277.3 (MANE Select); coding-DNA position 601, C replaced by T.
Protein change: p.His201Tyr; replaces histidine 201 with tyrosine.
Molecular consequence: missense variant.
Genome position (GRCh38, 1-based): chr12:102,855,241, G>A on the plus strand (C>T on the coding strand, the complement: PAH is on the minus strand). VCF-style: chr12-102855241-G-A. GRCh37 (hg19) VCF-style: chr12-103249019-G-A.
Other names: c.601C>T, p.His201Tyr (NM_001354304.2); c.601C>T (NM_000277.2); short protein forms H201Y.
Identifiers: ClinVar variation 102752 (VCV000102752.22), dbSNP rs62517205, ClinGen allele CA229643.
Genomic context (GRCh38, chr12:102,855,241, plus strand): 5'-CATGGAAGCCACAGTACTTTTCAAGAAGTGGAAAAATGTGATTGTACTCATAGCAAGCAT[G>A]GGTTTTATACAAGGACTTCAGAGTCTTGAACACTGTGCCCCATGTTTTCTTTTCTTCCTC-3'
Protein context (NP_000268.1, residues 191-211): FKTLKSLYKT[His201Tyr]ACYEYNHIFP